The following is an entry in ClinVar:

NM_000218.3(KCNQ1):c.1046C>G (p.Ser349Trp)

Gene: KCNQ1 (potassium voltage-gated channel subfamily Q member 1; plus strand). Cytogenetic location: 11p15.5.
Variant type: single nucleotide variant.
Coding change: c.1046C>G on transcript NM_000218.3 (MANE Select); coding-DNA position 1046, C replaced by G.
Protein change: p.Ser349Trp; replaces serine 349 with tryptophan.
Molecular consequence: missense variant.
Genome position (GRCh38, 1-based): chr11:2,585,225, C>G. VCF-style: chr11-2585225-C-G. GRCh37 (hg19) VCF-style: chr11-2606455-C-G.
Other names: p.S349W:TCG>TGG; c.1046C>G (LRG_287t1); c.776C>G, p.Ser259Trp (NM_001406837.1); c.665C>G, p.Ser222Trp (NM_181798.2); short protein forms S349W, S222W, S259W.
Identifiers: ClinVar variation 52942 (VCV000052942.16), dbSNP rs199472765, ClinGen allele CA005079.

ClinVar aggregate classification (germline): Pathogenic/Likely pathogenic. Review status: criteria provided, multiple submitters, no conflicts (2 of 4 stars). 6 submissions from 6 submitters: Pathogenic (3); Likely pathogenic (2). 1 of the submissions does not count toward it. Last evaluated 2024-03-11.

Conditions:
Cardiovascular phenotype. Identifiers: MedGen CN230736.
Familial long QT syndrome (RWS). Also called: Congenital long QT syndrome; Romano-Ward syndrome; VENTRICULAR FIBRILLATION WITH PROLONGED QT INTERVAL. Identifiers: Orphanet 768, MedGen C1141890, MONDO:0019171.
Long QT syndrome (LQTS). Identifiers: MedGen C0023976, MeSH D008133, MONDO:0002442. Disease mechanism: loss of function. Inheritance: Various modes of inheritance.

Submissions (6):

Labcorp Genetics (formerly Invitae), Labcorp
Classification: Pathogenic for Long QT syndrome. Last evaluated: 2024-03-11. Review status: criteria provided, single submitter. Criteria: Invitae Variant Classification Sherloc (09022015). Collection method: clinical testing. Allele origin: germline.
Comment: This sequence change replaces serine, which is neutral and polar, with tryptophan, which is neutral and slightly polar, at codon 349 of the KCNQ1 protein (p.Ser349Trp). This variant is not present in population databases (gnomAD no frequency). This missense change has been observed in individual(s) with Jervell and Lange-Nielsen syndrome and/or long QT syndrome (PMID: 20662986, 22539601; Invitae). In at least one individual the data is consistent with being in trans (on the opposite chromosome) from a pathogenic variant. ClinVar contains an entry for this variant (Variation ID: 52942). Advanced modeling of protein sequence and biophysical properties (such as structural, functional, and spatial information, amino acid conservation, physicochemical variation, residue mobility, and thermodynamic stability) performed at Invitae indicates that this missense variant is expected to disrupt KCNQ1 protein function with a positive predictive value of 95%. Experimental studies are conflicting or provide insufficient evidence to determine the effect of this variant on KCNQ1 function (PMID: 20662986). Algorithms developed to predict the effect of sequence changes on RNA splicing suggest that this variant may disrupt the consensus splice site. For these reasons, this variant has been classified as Pathogenic.

Ambry Genetics
Classification: Likely pathogenic for Cardiovascular phenotype. Last evaluated: 2023-02-07. Review status: criteria provided, single submitter. Criteria: Ambry Variant Classification Scheme 2023. Collection method: clinical testing. Allele origin: germline.
Comment: The p.S349W variant (also known as c.1046C>G), located in coding exon 8 of the KCNQ1 gene, results from a C to G substitution at nucleotide position 1046. The serine at codon 349 is replaced by tryptophan, an amino acid with highly dissimilar properties. This alteration has been reported in multiple individuals from long QT syndrome cohorts (Splawski I et al. Circulation, 2000 Sep;102:1178-85; Tester DJ et al. Heart Rhythm, 2005 May;2:507-17; Gemma LW et al. J Cardiovasc Electrophysiol, 2011 Oct;22:1141-6; Jons C et al. Sci Transl Med, 2011 Mar;3:76ra28; Stattin EL et al. BMC Cardiovasc Disord, 2012 Oct;12:95). It has also been identified likely in trans with a KCNQ1 pathogenic variant in an individual diagnosed with Jervell and Lange-Nielsen syndrome (Winbo A et al. Europace, 2012 Dec;14:1799-806). Functional studies suggest this variant may result in deficient protein function (Horr S et al. J Cardiovasc Electrophysiol, 2011 Feb;22:193-200). This variant is considered to be rare based on population cohorts in the Genome Aggregation Database (gnomAD). This amino acid position is highly conserved in available vertebrate species. In addition, this alteration is predicted to be deleterious by in silico analysis. Based on the majority of available evidence to date, this variant is likely to be pathogenic.

Clinical Genetics Laboratory, Skane University Hospital Lund
Classification: Pathogenic. Last evaluated: 2022-10-27. Review status: criteria provided, single submitter. Criteria: ACMG Guidelines, 2015. Collection method: clinical testing. Allele origin: germline. Affected: yes.

Mayo Clinic Laboratories, Mayo Clinic
Classification: Likely pathogenic. Last evaluated: 2021-07-28. Review status: criteria provided, single submitter. Criteria: ACMG Guidelines, 2015. Collection method: clinical testing. Allele origin: germline.
Comment: PP1, PP3, PM2, PS3_supporting, PS4_moderate

GeneDx
Classification: Pathogenic. Last evaluated: 2016-10-14. Review status: criteria provided, single submitter. Criteria: GeneDx Variant Classification (06012015). Collection method: clinical testing. Allele origin: germline. Affected: yes.
Comment: The S349W mutation was first identified in one individual diagnosed with LQTS (Splawski I et al., 2000) and subsequently identified in 15 individuals from 3 families enrolled in the International LQTS Registry (Horr S et al., 2011). The individuals from this registry who harbored the S349W mutation appeared to experience more cardiac events than individuals who harbored other haploinsufficient mutations, despite having a normal ECG during baseline examination. In vitro functional studies showed S349W had a relatively mild effect on the ion channel current but a pronounced effect on channel activation (Horr S et al., 2011). S349W was not observed in approximately 6500 individuals of European and African American ancestry in the NHLBI Exome Sequencing Project, indicating it is not a common benign variant in these populations. S349W is a non-conservative amino acid substitution, which is likely to impact secondary protein structure as these residues differ in polarity, charge, size and/or other properties. Missense mutations in this same residue (S349P) and in nearby residues (G345R, G345E, G345V, G350R, G350V, F351S) have been reported in association with LQTS, supporting the functional importance of this region of the protein. The variant is found in KCNQ1 panel(s).

Cardiovascular Biomedical Research Unit, Royal Brompton & Harefield NHS Foundation Trust
No classification provided. Condition: Familial long QT syndrome. Review status: no classification provided. Collection method: literature only. Allele origin: germline. Not counted in ClinVar's aggregate classification.
Comment: This variant has been reported as associated with Long QT syndrome in the following publications (PMID:10973849;PMID:11668638;PMID:14678125;PMID:15840476;PMID:20662986;PMID:17999538;PMID:17470695;PMID:22539601). This is a literature report, and does not necessarily reflect the clinical interpretation of the Imperial College / Royal Brompton Cardiovascular Genetics laboratory.

Literature cited by the submitters: PubMed 20662986 (cited by 4 submitters); PubMed 22539601 (cited by 4 submitters); PubMed 10973849 (cited by 3 submitters); PubMed 14678125 (cited by 3 submitters); PubMed 15840476 (cited by 3 submitters); PubMed 17470695 (cited by 3 submitters); PubMed 21451124 (cited by Ambry Genetics); PubMed 21635612 (cited by Ambry Genetics); PubMed 23098067 (cited by Ambry Genetics); PubMed 11668638 (cited by Mayo Clinic Laboratories, Mayo Clinic and Cardiovascular Biomedical Research Unit, Royal Brompton & Harefield NHS Foundation Trust); PubMed 17999538 (cited by Mayo Clinic Laboratories, Mayo Clinic and Cardiovascular Biomedical Research Unit, Royal Brompton & Harefield NHS Foundation Trust); PubMed 22581653 (cited by Cardiovascular Biomedical Research Unit, Royal Brompton & Harefield NHS Foundation Trust).